The following is an entry in ClinVar:

NM_001378030.1(CCDC78):c.191_194dup (p.Val66fs)

Gene: CCDC78 (coiled-coil domain containing 78; minus strand). Cytogenetic location: 16p13.3.
Variant type: Duplication.
Coding change: c.191_194dup on transcript NM_001378030.1 (MANE Select); coding-DNA positions 191 to 194, 4 bases duplicated (AGCT; older notation c.191_194dupAGCT).
Protein change: p.Val66fs; shifts the reading frame from valine 66.
Molecular consequence: frameshift variant. On other transcripts: 5 prime UTR variant (1), non-coding transcript variant (5).
Genome position (GRCh38, 1-based): chr16:725,867-725,870, AGCT duplicated on the plus strand (AGCT on the coding strand, the reverse complement: CCDC78 is on the minus strand). VCF-style (leftmost placement, unchanged base first): chr16-725866-C-CAGCT. GRCh37 (hg19) VCF-style: chr16-775866-C-CAGCT.
Other names: c.191_194dup, p.Val66fs (NM_001031737.3, NM_001378031.1); c.-95_-92dup (NM_001378033.1); short protein forms V66fs.
Identifiers: ClinVar variation 941612 (VCV000941612.7), dbSNP rs2040863479, ClinGen allele CA1139664219.

ClinVar aggregate classification (germline): Uncertain significance (1 of 4 stars; one submission).

Conditions:
Congenital myopathy with internal nuclei and atypical cores. Also called: Myopathy, centronuclear, 4. Identifiers: Orphanet 319160, MedGen C4707232, MONDO:0013890, OMIM 614807.

Submission:

Labcorp Genetics (formerly Invitae), Labcorp
Classification: Uncertain significance for Congenital myopathy with internal nuclei and atypical cores. Last evaluated: 2022-10-17. Review status: criteria provided, single submitter. Criteria: Invitae Variant Classification Sherloc (09022015). Collection method: clinical testing. Allele origin: germline.
Comment: This sequence change creates a premature translational stop signal (p.Val66Alafs*13) in the CCDC78 gene. It is expected to result in an absent or disrupted protein product. However, the current clinical and genetic evidence is not sufficient to establish whether loss-of-function variants in CCDC78 cause disease. This variant is not present in population databases (gnomAD no frequency). This variant has not been reported in the literature in individuals affected with CCDC78-related conditions. ClinVar contains an entry for this variant (Variation ID: 941612). In summary, the available evidence is currently insufficient to determine the role of this variant in disease. Therefore, it has been classified as a Variant of Uncertain Significance.